The following is an entry in ClinVar:

NM_003705.5(SLC25A12):c.28C>T (p.Arg10Ter)

Gene: SLC25A12 (solute carrier family 25 member 12; minus strand). Cytogenetic location: 2q31.1.
Variant type: single nucleotide variant.
Coding change: c.28C>T on transcript NM_003705.5 (MANE Select); coding-DNA position 28, C replaced by T.
Protein change: p.Arg10Ter; replaces arginine 10 with a stop codon.
Molecular consequence: nonsense. On other transcripts: non-coding transcript variant (1).
Genome position (GRCh38, 1-based): chr2:171,893,243, G>A on the plus strand (C>T on the coding strand, the complement: SLC25A12 is on the minus strand). VCF-style: chr2-171893243-G-A. GRCh37 (hg19) VCF-style: chr2-172749753-G-A.
Other names: short protein forms R10*.
Identifiers: ClinVar variation 2844117 (VCV002844117.3), dbSNP rs1344745708, ClinGen allele CA349643926.

ClinVar aggregate classification (germline): Pathogenic (1 of 4 stars; one submission).

Allele frequency attached by ClinVar (database versions not stated): gnomAD exomes below 0.00001.
gnomAD v4.1: 1 of 1,613,910 alleles (0.000062%); highest among the groups gnomAD compares: Non-Finnish European, 0.000085%; no homozygotes.

Submission:

Labcorp Genetics (formerly Invitae), Labcorp
Classification: Pathogenic. Last evaluated: 2023-03-08. Review status: criteria provided, single submitter. Criteria: Invitae Variant Classification Sherloc (09022015). Collection method: clinical testing. Allele origin: germline.
Comment: This sequence change creates a premature translational stop signal (p.Arg10*) in the SLC25A12 gene. It is expected to result in an absent or disrupted protein product. Loss-of-function variants in SLC25A12 are known to be pathogenic (PMID: 20015484, 31403263). This variant is present in population databases (no rsID available, gnomAD 0.0009%). This variant has not been reported in the literature in individuals affected with SLC25A12-related conditions. For these reasons, this variant has been classified as Pathogenic.

Literature cited by the submitters: PubMed 20015484; PubMed 31403263.